The following is an entry in ClinVar:

ClinVar aggregate classification (germline): Benign (1 of 4 stars; one submission).

Allele frequency attached by ClinVar (database versions not stated): 1000 Genomes Project 30x 0.62102; 1000 Genomes Project 0.63139; TOPMed 0.63327; gnomAD 0.65167 and 0.66062.
gnomAD v4.1: 100,574 of 151,938 alleles (66%); highest among the groups gnomAD compares: East Asian, 86%; 36,892 homozygotes.

Submission:

GeneDx
Classification: Benign. Last evaluated: 2018-06-19. Review status: criteria provided, single submitter. Criteria: GeneDx Variant Classification (06012015). Collection method: clinical testing. Allele origin: germline. Affected: yes.
Comment: This variant is considered likely benign or benign based on one or more of the following criteria: it is a conservative change, it occurs at a poorly conserved position in the protein, it is predicted to be benign by multiple in silico algorithms, and/or has population frequency not consistent with disease.

NM_015702.3(MMADHC):c.478+261A>T

Gene: MMADHC (metabolism of cobalamin associated D; minus strand). Cytogenetic location: 2q23.2.
Variant type: single nucleotide variant.
Coding change: c.478+261A>T on transcript NM_015702.3 (MANE Select); 261 bases into the intron after coding-DNA position 478, A replaced by T.
Molecular consequence: intron variant.
Genome position (GRCh38, 1-based): chr2:149,576,176, T>A on the plus strand (A>T on the coding strand, the complement: MMADHC is on the minus strand). VCF-style: chr2-149576176-T-A. GRCh37 (hg19) VCF-style: chr2-150432690-T-A.
Identifiers: ClinVar variation 682622 (VCV000682622.1), dbSNP rs10932470, ClinGen allele CA11323381.